The following is an entry in ClinVar:

NM_014585.6(SLC40A1):c.271+6T>A

Gene: SLC40A1 (solute carrier family 40 member 1; minus strand). Cytogenetic location: 2q32.2.
Variant type: single nucleotide variant.
Coding change: c.271+6T>A on transcript NM_014585.6 (MANE Select); 6 bases into the intron after coding-DNA position 271, T replaced by A.
Molecular consequence: intron variant.
Genome position (GRCh38, 1-based): chr2:189,575,155, A>T on the plus strand (T>A on the coding strand, the complement: SLC40A1 is on the minus strand). VCF-style: chr2-189575155-A-T. GRCh37 (hg19) VCF-style: chr2-190439881-A-T.
Identifiers: ClinVar variation 855912 (VCV000855912.9), dbSNP rs1271215866, ClinGen allele CA538918047.

ClinVar aggregate classification (germline): Uncertain significance (1 of 4 stars; one submission).

Conditions:
Hemochromatosis type 4 (HFE4). Also called: Ferroportin disease; HEMOCHROMATOSIS DUE TO DEFECT IN FERROPORTIN; HEMOCHROMATOSIS, AUTOSOMAL DOMINANT. Identifiers: Orphanet 139491, Orphanet 647834, Orphanet 648562, MedGen C1853733, MONDO:0011631, OMIM 606069.

Allele frequency attached by ClinVar (database versions not stated): gnomAD exomes below 0.00001 and 0.00003; TOPMed below 0.00001; gnomAD 0.00001.
gnomAD v4.1: 50 of 1,613,714 alleles (0.0031%); highest among the groups gnomAD compares: Non-Finnish European, 0.0042%; 1 homozygote.

Submission:

Labcorp Genetics (formerly Invitae), Labcorp
Classification: Uncertain significance for Hemochromatosis type 4. Last evaluated: 2024-08-08. Review status: criteria provided, single submitter. Criteria: Invitae Variant Classification Sherloc (09022015). Collection method: clinical testing. Allele origin: germline.
Comment: This sequence change falls in intron 3 of the SLC40A1 gene. It does not directly change the encoded amino acid sequence of the SLC40A1 protein. It affects a nucleotide within the consensus splice site. This variant is present in population databases (no rsID available, gnomAD 0.0009%). This variant has not been reported in the literature in individuals affected with SLC40A1-related conditions. ClinVar contains an entry for this variant (Variation ID: 855912). Variants that disrupt the consensus splice site are a relatively common cause of aberrant splicing (PMID: 17576681, 9536098). Algorithms developed to predict the effect of sequence changes on RNA splicing suggest that this variant is not likely to affect RNA splicing. In summary, the available evidence is currently insufficient to determine the role of this variant in disease. Therefore, it has been classified as a Variant of Uncertain Significance.

Literature cited by the submitters: PubMed 17576681; PubMed 9536098.